The following is an entry in ClinVar:

ClinVar aggregate classification (germline): Likely benign. Review status: criteria provided, single submitter (1 of 4 stars). 2 submissions from 2 submitters: Likely benign (1). 1 of the submissions does not count toward it. Last evaluated 2025-05-10.

Conditions:
CHD8-related disorder. Also called: CHD8-related disorders; CHD8-related condition.

Allele frequency attached by ClinVar (database versions not stated): gnomAD exomes 0.00002; TOPMed 0.00003.
gnomAD v4.1: 9 of 1,610,794 alleles (0.00056%); highest among the groups gnomAD compares: Admixed American, 0.015%; no homozygotes.

Submissions (2):

Labcorp Genetics (formerly Invitae), Labcorp
Classification: Likely benign. Last evaluated: 2025-05-10. Review status: criteria provided, single submitter. Criteria: Invitae Variant Classification Sherloc (09022015). Collection method: clinical testing. Allele origin: germline.

PreventionGenetics, part of Exact Sciences
Classification: Likely benign for CHD8-related condition. Last evaluated: 2019-02-18. Review status: no assertion criteria provided. Collection method: clinical testing. Allele origin: germline. Not counted in ClinVar's aggregate classification.
Comment: This variant is classified as likely benign based on ACMG/AMP sequence variant interpretation guidelines (Richards et al. 2015 PMID: 25741868, with internal and published modifications).

NM_001170629.2(CHD8):c.6930C>T (p.Asp2310=)

Genes: CHD8 (chromodomain helicase DNA binding protein 8; minus strand), LOC126861888 (CDK7 strongly-dependent group 2 enhancer GRCh37_chr14:21859227-21860426; plus strand). Cytogenetic location: 14q11.2.
Variant type: single nucleotide variant.
Coding change: c.6930C>T on transcript NM_001170629.2 (MANE Select); coding-DNA position 6930, C replaced by T.
Protein change: p.Asp2310=; no amino-acid change (aspartic acid 2310 retained).
Molecular consequence: synonymous variant.
Genome position (GRCh38, 1-based): chr14:21,391,598, G>A on the plus strand (C>T on the coding strand, the complement: CHD8 is on the minus strand). VCF-style: chr14-21391598-G-A. GRCh37 (hg19) VCF-style: chr14-21859757-G-A.
Other names: c.6930C>T (NM_001170629.1); c.6093C>T, p.Asp2031= (NM_020920.4).
Identifiers: ClinVar variation 1899057 (VCV001899057.7), dbSNP rs1402388816, ClinGen allele CA484993727.